The following is an entry in ClinVar:

ClinVar aggregate classification (germline): Pathogenic (1 of 4 stars; one submission).

Conditions:
Arrhythmogenic cardiomyopathy with wooly hair and keratoderma. Also called: PALMOPLANTAR KERATODERMA WITH LEFT VENTRICULAR CARDIOMYOPATHY AND WOOLLY HAIR; Carvajal syndrome; Dilated cardiomyopathy with woolly hair and keratoderma; Arrhythmogenic cardiomyopathy with woolly hair and keratoderma. Identifiers: Orphanet 65282, MedGen C1854063, MONDO:0011581, OMIM 605676.
Arrhythmogenic right ventricular dysplasia 8 (ARVD8). Also called: Arrhythmogenic Right Ventricular Dysplasia/Cardiomyopathy 8; ARRHYTHMOGENIC RIGHT VENTRICULAR DYSPLASIA, FAMILIAL, 8; ARRHYTHMOGENIC RIGHT VENTRICULAR CARDIOMYOPATHY 8. Identifiers: MedGen C1843896, MONDO:0011831, OMIM 607450.

Submission:

Labcorp Genetics (formerly Invitae), Labcorp
Classification: Pathogenic for Arrhythmogenic cardiomyopathy with wooly hair and keratoderma; Arrhythmogenic right ventricular dysplasia 8. Last evaluated: 2023-08-30. Review status: criteria provided, single submitter. Criteria: Invitae Variant Classification Sherloc (09022015). Collection method: clinical testing. Allele origin: germline.
Comment: For these reasons, this variant has been classified as Pathogenic. This variant disrupts a region of the DSP protein in which other variant(s) (p.Glu2728Glyfs*11) have been determined to be pathogenic (Invitae). This suggests that this is a clinically significant region of the protein, and that variants that disrupt it are likely to be disease-causing. This variant has not been reported in the literature in individuals affected with DSP-related conditions. This variant is not present in population databases (gnomAD no frequency). This sequence change creates a premature translational stop signal (p.Lys2714*) in the DSP gene. While this is not anticipated to result in nonsense mediated decay, it is expected to disrupt the last 158 amino acid(s) of the DSP protein.

NM_004415.4(DSP):c.8140A>T (p.Lys2714Ter)

Gene: DSP (desmoplakin; plus strand). Cytogenetic location: 6p24.3.
Variant type: single nucleotide variant.
Coding change: c.8140A>T on transcript NM_004415.4 (MANE Select); coding-DNA position 8140, A replaced by T.
Protein change: p.Lys2714Ter; replaces lysine 2714 with a stop codon.
Molecular consequence: nonsense.
Genome position (GRCh38, 1-based): chr6:7,585,402, A>T. VCF-style: chr6-7585402-A-T. GRCh37 (hg19) VCF-style: chr6-7585635-A-T.
Other names: c.6343A>T, p.Lys2115Ter (NM_001008844.3); c.6811A>T, p.Lys2271Ter (NM_001319034.2); short protein forms K2714*, K2115*, K2271*.
Identifiers: ClinVar variation 2951422 (VCV002951422.3), dbSNP rs2533949772, ClinGen allele CA362694522.